The following is an entry in ClinVar:

NM_006904.7(PRKDC):c.2509A>G (p.Thr837Ala)

Gene: PRKDC (protein kinase, DNA-activated, catalytic subunit; minus strand). Cytogenetic location: 8q11.21.
Variant type: single nucleotide variant.
Coding change: c.2509A>G on transcript NM_006904.7 (MANE Select); coding-DNA position 2509, A replaced by G.
Protein change: p.Thr837Ala; replaces threonine 837 with alanine.
Molecular consequence: missense variant.
Genome position (GRCh38, 1-based): chr8:47,918,294, T>C on the plus strand (A>G on the coding strand, the complement: PRKDC is on the minus strand). VCF-style: chr8-47918294-T-C. GRCh37 (hg19) VCF-style: chr8-48830854-T-C.
Other names: c.2509A>G, p.Thr837Ala (NM_001081640.2); short protein forms T837A.
Identifiers: ClinVar variation 2449904 (VCV002449904.2), dbSNP rs1329183271, ClinGen allele CA371160324.

ClinVar aggregate classification (germline): Uncertain significance (1 of 4 stars; one submission).

Submission:

Ambry Genetics
Classification: Uncertain significance. Last evaluated: 2023-03-03. Review status: criteria provided, single submitter. Criteria: Ambry Variant Classification Scheme 2023. Collection method: clinical testing. Allele origin: germline.
Comment: The p.T837A variant (also known as c.2509A>G), located in coding exon 22 of the PRKDC gene, results from an A to G substitution at nucleotide position 2509. The threonine at codon 837 is replaced by alanine, an amino acid with similar properties. This amino acid position is conserved. In addition, this alteration is predicted to be tolerated by in silico analysis. Since supporting evidence is limited at this time, the clinical significance of this alteration remains unclear.